The following is an entry in ClinVar:

NM_000535.7(PMS2):c.113C>A (p.Ala38Glu)

Gene: PMS2 (PMS1 homolog 2, mismatch repair system component; minus strand). Cytogenetic location: 7p22.1.
Variant type: single nucleotide variant.
Coding change: c.113C>A on transcript NM_000535.7 (MANE Select); coding-DNA position 113, C replaced by A.
Protein change: p.Ala38Glu; replaces alanine 38 with glutamic acid.
Molecular consequence: missense variant. On other transcripts: 5 prime UTR variant (8), non-coding transcript variant (1), intron variant (3).
Genome position (GRCh38, 1-based): chr7:6,005,942, G>T on the plus strand (C>A on the coding strand, the complement: PMS2 is on the minus strand). VCF-style: chr7-6005942-G-T. GRCh37 (hg19) VCF-style: chr7-6045573-G-T.
Other names: c.-293C>A (NM_001322003.2, NM_001322005.2, NM_001322009.2 and 1 more transcripts); c.113C>A, p.Ala38Glu (NM_001322006.2, NM_001322014.2); c.-103C>A (NM_001322007.2); c.-772C>A (NM_001322011.2, NM_001322012.2); c.-372C>A (NM_001322015.2); c.-52-1884C>A (NM_001322008.2); c.-242-1884C>A (NM_001322010.2, NM_001322004.2); short protein forms A38E.
Identifiers: ClinVar variation 1025441 (VCV001025441.14), dbSNP rs148270248, ClinGen allele CA366745040.
Genomic context (GRCh38, chr7:6,005,942, plus strand): 5'-CCAAACTTACCAATATTAGTGGCACCAGCATCCAGACTGTTTTCTACTAACTCCTTTACC[G>T]CAGTGCTTAGACTCAGTACCACCTGCCCAGAGCAAATCTGATGGACTGACTTCCGATCAA-3'
Protein context (NP_000526.2, residues 28-48): SGQVVLSLST[Ala38Glu]VKELVENSLD

ClinVar aggregate classification (germline): Uncertain significance. Review status: criteria provided, multiple submitters, no conflicts (2 of 4 stars). 3 submissions from 3 submitters: Uncertain significance (3). Last evaluated 2026-08-07.

Conditions:
Hereditary cancer-predisposing syndrome. Also called: Tumor predisposition; Hereditary Cancer Syndrome; Hereditary neoplastic syndrome; Neoplastic Syndromes, Hereditary. Identifiers: Orphanet 140162, MedGen C0027672, MeSH D009386, MONDO:0015356.
Hereditary nonpolyposis colorectal neoplasms. Identifiers: MedGen C0009405, MeSH D003123.

gnomAD v4.1: 1 of 1,610,660 alleles (0.000062%); highest among the groups gnomAD compares: Non-Finnish European, 0.000085%; no homozygotes.

Submissions (3):

Ambry Genetics
Classification: Uncertain significance for Hereditary cancer-predisposing syndrome. Last evaluated: 2026-08-07. Review status: criteria provided, single submitter. Criteria: Ambry Variant Classification Scheme 2023. Collection method: clinical testing. Allele origin: germline.
Comment: The p.A38E variant (also known as c.113C>A), located in coding exon 2 of the PMS2 gene, results from a C to A substitution at nucleotide position 113. The alanine at codon 38 is replaced by glutamic acid, an amino acid with dissimilar properties. This amino acid position is highly conserved in available vertebrate species. In addition, this alteration is predicted to be deleterious by in silico analysis. Based on the available evidence, the clinical significance of this variant remains unclear.

Women's Health and Genetics/Laboratory Corporation of America, LabCorp
Classification: Uncertain significance. Last evaluated: 2025-04-10. Review status: criteria provided, single submitter. Criteria: LabCorp Variant Classification Summary - May 2015. Collection method: clinical testing. Allele origin: germline.
Comment: Variant summary: PMS2 c.113C>A (p.Ala38Glu) results in a non-conservative amino acid change in the encoded protein sequence. Five of five in-silico tools predict a damaging effect of the variant on protein function. The variant was absent in 245784 control chromosomes. The available data on variant occurrences in the general population are insufficient to allow any conclusion about variant significance. To our knowledge, no occurrence of c.113C>A in individuals affected with Lynch Syndrome and no experimental evidence demonstrating its impact on protein function have been reported. ClinVar contains an entry for this variant (Variation ID: 1025441). Based on the evidence outlined above, the variant was classified as uncertain significance.

Labcorp Genetics (formerly Invitae), Labcorp
Classification: Uncertain significance for Hereditary nonpolyposis colorectal neoplasms. Last evaluated: 2020-03-28. Review status: criteria provided, single submitter. Criteria: Invitae Variant Classification Sherloc (09022015). Collection method: clinical testing. Allele origin: germline.
Comment: In summary, the available evidence is currently insufficient to determine the role of this variant in disease. Therefore, it has been classified as a Variant of Uncertain Significance. Algorithms developed to predict the effect of missense changes on protein structure and function (SIFT, PolyPhen-2, Align-GVGD) all suggest that this variant is likely to be disruptive, but these predictions have not been confirmed by published functional studies and their clinical significance is uncertain. This variant has not been reported in the literature in individuals with PMS2-related conditions. This variant is not present in population databases (ExAC no frequency). This sequence change replaces alanine with glutamic acid at codon 38 of the PMS2 protein (p.Ala38Glu). The alanine residue is highly conserved and there is a moderate physicochemical difference between alanine and glutamic acid.